The following is an entry in ClinVar:

ClinVar aggregate classification (germline): Uncertain significance (0 of 4 stars; one submission).

Conditions:
SPECC1L-related disorder. Also called: SPECC1L-related condition.

Allele frequency attached by ClinVar (database versions not stated): TOPMed below 0.00001; ExAC 0.00002.
gnomAD v4.1: 12 of 1,612,704 alleles (0.00074%); highest among the groups gnomAD compares: East Asian, 0.0022%; no homozygotes.

Submission:

PreventionGenetics, part of Exact Sciences
Classification: Uncertain significance for SPECC1L-related condition. Last evaluated: 2023-12-29. Review status: no assertion criteria provided. Collection method: clinical testing. Allele origin: germline.
Comment: The SPECC1L c.1682C>T variant is predicted to result in the amino acid substitution p.Thr561Met. To our knowledge, this variant has not been reported in the literature. This variant is reported in 0.0055% of alleles in individuals of East Asian descent in gnomAD. At this time, the clinical significance of this variant is uncertain due to the absence of conclusive functional and genetic evidence.

NM_015330.6(SPECC1L):c.1682C>T (p.Thr561Met)

Genes: SPECC1L (sperm antigen with calponin homology and coiled-coil domains 1 like; plus strand), SPECC1L-ADORA2A (SPECC1L-ADORA2A readthrough (NMD candidate); plus strand). Cytogenetic location: 22q11.23.
Variant type: single nucleotide variant.
Coding change: c.1682C>T on transcript NM_015330.6 (MANE Select); coding-DNA position 1682, C replaced by T.
Protein change: p.Thr561Met; replaces threonine 561 with methionine.
Molecular consequence: missense variant. On other transcripts: non-coding transcript variant (1).
Genome position (GRCh38, 1-based): chr22:24,322,662, C>T. VCF-style: chr22-24322662-C-T. GRCh37 (hg19) VCF-style: chr22-24718630-C-T.
Other names: c.1682C>T, p.Thr561Met (NM_001145468.4, NM_001254732.3); short protein forms T561M.
Identifiers: ClinVar variation 3029720 (VCV003029720.2), dbSNP rs200713959, ClinGen allele CA10152156.
Genomic context (GRCh38, chr22:24,322,662, plus strand): 5'-GTCACCATATGGAGCGAATTATTGAGTCTGAGCAGAAAGGAAAAGCAGCCTTGGCAGCCA[C>T]GTTAGAGGAATACAAAGCCACAGTGGCCAGTGACCAGATAGAGATGAATCGCCTGAAGGC-3'
Protein context (NP_056145.5, residues 551-571): EQKGKAALAA[Thr561Met]LEEYKATVAS